The following is an entry in ClinVar:

NM_014975.3(MAST1):c.1238G>A (p.Arg413His)

Gene: MAST1 (microtubule associated serine/threonine kinase 1; plus strand). Cytogenetic location: 19p13.13.
Variant type: single nucleotide variant.
Coding change: c.1238G>A on transcript NM_014975.3 (MANE Select); coding-DNA position 1238, G replaced by A.
Protein change: p.Arg413His; replaces arginine 413 with histidine.
Molecular consequence: missense variant.
Genome position (GRCh38, 1-based): chr19:12,858,611, G>A. VCF-style: chr19-12858611-G-A. GRCh37 (hg19) VCF-style: chr19-12969425-G-A.
Other names: short protein forms R413H.
Identifiers: ClinVar variation 3772618 (VCV003772618.13).

ClinVar aggregate classification (germline): Uncertain significance (1 of 4 stars; one submission).

Submission:

CeGaT Center for Human Genetics Tuebingen
Classification: Uncertain significance. Last evaluated: 2025-02-01. Review status: criteria provided, single submitter. Criteria: CeGaT Center For Human Genetics Tuebingen Variant Classification Criteria Version 2. Collection method: clinical testing. Allele origin: germline. Affected: yes. Observed: 1 variant allele.
Comment: MAST1: PM2